The following is an entry in ClinVar:

NM_000264.5(PTCH1):c.*801C>T

Gene: PTCH1 (patched 1; minus strand). Cytogenetic location: 9q22.32.
Variant type: single nucleotide variant.
Coding change: c.*801C>T on transcript NM_000264.5 (MANE Select); 801 bases downstream of the stop codon, C replaced by T.
Molecular consequence: 3 prime UTR variant. On other transcripts: non-coding transcript variant (1).
Genome position (GRCh38, 1-based): chr9:95,445,592, G>A on the plus strand (C>T on the coding strand, the complement: PTCH1 is on the minus strand). VCF-style: chr9-95445592-G-A. GRCh37 (hg19) VCF-style: chr9-98207874-G-A.
Other names: c.*801C>T (NM_001083602.3, NM_001083603.3, NM_001083604.3 and 4 more transcripts).
Identifiers: ClinVar variation 367652 (VCV000367652.5), dbSNP rs114243832, ClinGen allele CA10630679.

ClinVar aggregate classification (germline): Benign. Review status: criteria provided, single submitter (1 of 4 stars). 2 submissions from 1 submitter: Benign (2). Last evaluated 2018-01-12.

Conditions:
Holoprosencephaly 7 (HPE7). Identifiers: Orphanet 2162, MedGen C1835820, MONDO:0012562, OMIM 610828.
Gorlin syndrome. Also called: Basal cell nevus syndrome; Nevoid Basal Cell Carcinoma Syndrome. Identifiers: Orphanet 377, MedGen C0004779, MONDO:0007187.

Allele frequency attached by ClinVar (database versions not stated): gnomAD 0.00387 and 0.00412; TOPMed 0.00388; 1000 Genomes Project 0.00359; 1000 Genomes Project 30x 0.00359.

Submissions (2):

Illumina Laboratory Services, Illumina
Classification: Benign for Basal cell nevus syndrome 1. Last evaluated: 2018-01-12. Review status: criteria provided, single submitter. Criteria: ICSL Variant Classification Criteria 13 December 2019. Collection method: clinical testing. Allele origin: germline.
Comment: This variant was observed in the ICSL laboratory as part of a predisposition screen in an ostensibly healthy population. It had not been previously curated by ICSL or reported in the Human Gene Mutation Database (HGMD: prior to June 1st, 2018), and was therefore a candidate for classification through an automated scoring system. Utilizing variant allele frequency, disease prevalence and penetrance estimates, and inheritance mode, an automated score was calculated to assess if this variant is too frequent to cause the disease. Based on the score and internal cut-off values, a variant classified as benign is not then subjected to further curation. The score for this variant resulted in a classification of benign for this disease.

Illumina Laboratory Services, Illumina
Classification: Benign for Holoprosencephaly 7. Last evaluated: 2018-01-12. Review status: criteria provided, single submitter. Criteria: ICSL Variant Classification Criteria 13 December 2019. Collection method: clinical testing. Allele origin: germline.
Comment: the same text as in the submission from Illumina Laboratory Services, Illumina above.